The following is an entry in ClinVar:

NM_002948.5(RPL15):c.436C>G (p.Pro146Ala)

Genes: NKIRAS1 (NFKB inhibitor interacting Ras like 1; minus strand), RPL15 (ribosomal protein L15; plus strand). Cytogenetic location: 3p24.2.
Variant type: single nucleotide variant.
Coding change: c.436C>G on transcript NM_002948.5 (MANE Select); coding-DNA position 436, C replaced by G.
Protein change: p.Pro146Ala; replaces proline 146 with alanine.
Molecular consequence: missense variant. On other transcripts: intron variant (2).
Genome position (GRCh38, 1-based): chr3:23,919,322, C>G. VCF-style: chr3-23919322-C-G. GRCh37 (hg19) VCF-style: chr3-23960813-C-G.
Other names: c.436C>G, p.Pro146Ala (NM_001253379.2, NM_001253380.2, NM_001253382.2 and 1 more transcripts); c.-139-7872G>C (NM_001377380.1); c.360+76C>G (NM_001253384.2); short protein forms P146A.
Identifiers: ClinVar variation 2443246 (VCV002443246.2), dbSNP rs1340337879, ClinGen allele CA351882318.

ClinVar aggregate classification (germline): Uncertain significance (0 of 4 stars; one submission).

Submission:

Genetic Services Laboratory, University of Chicago
Classification: Uncertain significance. Last evaluated: 2022-08-22. Review status: no assertion criteria provided. Collection method: clinical testing. Allele origin: germline. Affected: no.
Comment: DNA sequence analysis of the RPL15 gene demonstrated a sequence change, c.436C>G, in exon 4 that results in an amino acid change, p.Pro146Ala. This sequence change does not appear to have been previously described in individuals with RPL15-related disorders and has also not been described in population databases such as ExAC and gnomAD. The p.Pro146Ala change affects a highly conserved amino acid residue located in a domain of the RPL15 protein that is known to be functional. The p.Pro146Ala substitution appears to be benign using several in-silico pathogenicity prediction tools (SIFT, PolyPhen2, Align GVGD, REVEL). Due to insufficient evidences and the lack of functional studies, the clinical significance of the p.Pro146Ala change remains unknown at this time.